The following is an entry in ClinVar:

ClinVar aggregate classification (germline): Uncertain significance (1 of 4 stars; one submission).

Submission:

Labcorp Genetics (formerly Invitae), Labcorp
Classification: Uncertain significance. Last evaluated: 2023-02-20. Review status: criteria provided, single submitter. Criteria: Invitae Variant Classification Sherloc (09022015). Collection method: clinical testing. Allele origin: germline.
Comment: In summary, the available evidence is currently insufficient to determine the role of this variant in disease. Therefore, it has been classified as a Variant of Uncertain Significance. An algorithm developed to predict the effect of missense changes on protein structure and function (PolyPhen-2) suggests that this variant is likely to be tolerated. This variant has not been reported in the literature in individuals affected with POLE-related conditions. This variant is not present in population databases (gnomAD no frequency). This sequence change replaces proline, which is neutral and non-polar, with arginine, which is basic and polar, at codon 13 of the POLE protein (p.Pro13Arg).

NM_006231.4(POLE):c.38C>G (p.Pro13Arg)

Genes: POLE (DNA polymerase epsilon, catalytic subunit; minus strand), LOC130009266 (ATAC-STARR-seq lymphoblastoid silent region 5123; plus strand). Cytogenetic location: 12q24.33.
Variant type: single nucleotide variant.
Coding change: c.38C>G on transcript NM_006231.4 (MANE Select); coding-DNA position 38, C replaced by G.
Protein change: p.Pro13Arg; replaces proline 13 with arginine.
Molecular consequence: missense variant.
Genome position (GRCh38, 1-based): chr12:132,687,278, G>C on the plus strand (C>G on the coding strand, the complement: POLE is on the minus strand). VCF-style: chr12-132687278-G-C. GRCh37 (hg19) VCF-style: chr12-133263864-G-C.
Other names: short protein forms P13R.
Identifiers: ClinVar variation 2914276 (VCV002914276.3), dbSNP rs878854865, ClinGen allele CA387373398.